The following is an entry in ClinVar:

ClinVar aggregate classification (germline): Benign/Likely benign. Review status: criteria provided, multiple submitters, no conflicts (2 of 4 stars). 2 submissions from 2 submitters: Benign (1); Likely benign (1). Last evaluated 2023-12-01.

Allele frequency attached by ClinVar (database versions not stated): gnomAD 0.00226 and 0.00225; ESP Exome Variant Server 0.00246; 1000 Genomes Project 30x 0.00562; 1000 Genomes Project 0.00599; gnomAD exomes 0.00055 and 0.00128; ExAC 0.00161; TOPMed 0.00217.
gnomAD v4.1: 1,179 of 1,614,158 alleles (0.073%); highest among the groups gnomAD compares: African/African-American, 0.73%; 11 homozygotes.

Submissions (2):

CeGaT Center for Human Genetics Tuebingen
Classification: Likely benign. Last evaluated: 2023-12-01. Review status: criteria provided, single submitter. Criteria: CeGaT Center For Human Genetics Tuebingen Variant Classification Criteria Version 2. Collection method: clinical testing. Allele origin: germline. Affected: yes. Observed: 1 variant allele.
Comment: SPP1: BP4, BP7, BS2

Labcorp Genetics (formerly Invitae), Labcorp
Classification: Benign. Last evaluated: 2018-05-31. Review status: criteria provided, single submitter. Criteria: Invitae Variant Classification Sherloc (09022015). Collection method: clinical testing. Allele origin: germline.

NM_001040058.2(SPP1):c.126A>G (p.Thr42=)

Gene: SPP1 (secreted phosphoprotein 1; plus strand). Cytogenetic location: 4q22.1.
Variant type: single nucleotide variant.
Coding change: c.126A>G on transcript NM_001040058.2 (MANE Select); coding-DNA position 126, A replaced by G.
Protein change: p.Thr42=; no amino-acid change (threonine 42 retained).
Molecular consequence: synonymous variant. On other transcripts: intron variant (2).
Genome position (GRCh38, 1-based): chr4:87,980,078, A>G. VCF-style: chr4-87980078-A-G. GRCh37 (hg19) VCF-style: chr4-88901230-A-G.
Other names: c.126A>G, p.Thr42= (NM_000582.3); c.165A>G, p.Thr55= (NM_001251830.2); c.94-315A>G (NM_001040060.2); c.94-1397A>G (NM_001251829.2).
Identifiers: ClinVar variation 791981 (VCV000791981.25), dbSNP rs61731005, ClinGen allele CA3003474.